The following is an entry in ClinVar:

ClinVar aggregate classification (germline): Uncertain significance (1 of 4 stars; one submission).

Submission:

GeneDx
Classification: Uncertain significance. Last evaluated: 2024-03-12. Review status: criteria provided, single submitter. Criteria: GeneDx Variant Classification Process June 2021. Collection method: clinical testing. Allele origin: germline. Affected: yes.
Comment: Not observed at significant frequency in large population cohorts (gnomAD); In silico analysis supports that this missense variant has a deleterious effect on protein structure/function; Has not been previously published as pathogenic or benign to our knowledge

NM_001278512.2(AP3B2):c.210T>A (p.Asn70Lys)

Genes: AP3B2 (adaptor related protein complex 3 subunit beta 2; minus strand), CPEB1-AS1 (CPEB1 antisense RNA 1; plus strand). Cytogenetic location: 15q25.2.
Variant type: single nucleotide variant.
Coding change: c.210T>A on transcript NM_001278512.2 (MANE Select); coding-DNA position 210, T replaced by A.
Protein change: p.Asn70Lys; replaces asparagine 70 with lysine.
Molecular consequence: missense variant.
Genome position (GRCh38, 1-based): chr15:82,689,212, A>T on the plus strand (T>A on the coding strand, the complement: AP3B2 is on the minus strand). VCF-style: chr15-82689212-A-T. GRCh37 (hg19) VCF-style: chr15-83357964-A-T.
Other names: c.210T>A, p.Asn70Lys (NM_001278511.2, NM_001348440.2, NM_004644.5); short protein forms N70K.
Identifiers: ClinVar variation 3370636 (VCV003370636.1).